The following is an entry in ClinVar:

NM_005654.6(NR2F1):c.1097G>A (p.Arg366His)

Gene: NR2F1 (nuclear receptor subfamily 2 group F member 1; plus strand). Cytogenetic location: 5q15.
Variant type: single nucleotide variant.
Coding change: c.1097G>A on transcript NM_005654.6 (MANE Select); coding-DNA position 1097, G replaced by A.
Protein change: p.Arg366His; replaces arginine 366 with histidine.
Molecular consequence: missense variant.
Genome position (GRCh38, 1-based): chr5:93,593,667, G>A. VCF-style: chr5-93593667-G-A. GRCh37 (hg19) VCF-style: chr5-92929373-G-A.
Other names: c.1097G>A (NM_005654.4); short protein forms R366H.
Identifiers: ClinVar variation 984969 (VCV000984969.8), dbSNP rs1753373048, ClinGen allele CA360527794.

ClinVar aggregate classification (germline): Conflicting classifications of pathogenicity. Review status: criteria provided, conflicting classifications (1 of 4 stars). 3 submissions from 3 submitters: Likely pathogenic (1); Uncertain significance (2). Last evaluated 2026-03-17.

Conditions:
Bosch-Boonstra-Schaaf optic atrophy syndrome (BBSOAS). Also called: NR2F1-Related Neurodevelopmental Disorder. Identifiers: Orphanet 401777, MedGen C3810363, MONDO:0014320, OMIM 615722.

Allele frequency attached by ClinVar (database versions not stated): gnomAD exomes below 0.00001.
gnomAD v4.1: 1 of 1,614,114 alleles (0.000062%); highest among the groups gnomAD compares: Non-Finnish European, 0.000085%; no homozygotes.

Submissions (3):

GeneDx
Classification: Uncertain significance. Last evaluated: 2026-03-17. Review status: criteria provided, single submitter. Criteria: GeneDx Variant Classification Process June 2021. Collection method: clinical testing. Allele origin: germline.
Comment: Reported as an apparently de novo variant in a patient in published literature; case-level information is limited (PMID: 39972940); Not observed at significant frequency in large population cohorts (gnomAD); In silico analysis supports that this missense variant has a deleterious effect on protein structure/function; This variant is associated with the following publications: (PMID: 26986877, 39972940)

Labcorp Genetics (formerly Invitae), Labcorp
Classification: Uncertain significance. Last evaluated: 2023-09-04. Review status: criteria provided, single submitter. Criteria: Invitae Variant Classification Sherloc (09022015). Collection method: clinical testing. Allele origin: germline.
Comment: This variant is not present in population databases (gnomAD no frequency). In summary, the available evidence is currently insufficient to determine the role of this variant in disease. Therefore, it has been classified as a Variant of Uncertain Significance. Advanced modeling of protein sequence and biophysical properties (such as structural, functional, and spatial information, amino acid conservation, physicochemical variation, residue mobility, and thermodynamic stability) performed at Invitae indicates that this missense variant is expected to disrupt NR2F1 protein function. ClinVar contains an entry for this variant (Variation ID: 984969). This variant has not been reported in the literature in individuals affected with NR2F1-related conditions. This sequence change replaces arginine, which is basic and polar, with histidine, which is basic and polar, at codon 366 of the NR2F1 protein (p.Arg366His).

Institute of Human Genetics, University of Goettingen
Classification: Likely pathogenic for Bosch-Boonstra-Schaaf optic atrophy syndrome. Last evaluated: 2020-11-19. Review status: criteria provided, single submitter. Criteria: ACMG Guidelines, 2015. Collection method: clinical testing. Allele origin: de novo. Inheritance: Autosomal dominant inheritance. Affected: yes.
Comment: The variant c.1097G>A (p.(Arg366His)) in exon 3 of the NR2F1-gene is not found in known databases (ExAC or gnomAD), it affects a highly conserved nucleotide, a highly conserved amino acid and there is a small physicochemical difference between Arg and His. This variant is located within a protein domain and a mutational hotspot and has a pathogenic computational verdict based on 14 pathogenic predictions from BayesDel_addAF, DANN, DEOGEN2, EIGEN, FATHMM-MKL, LIST-S2, M-CAP, MVP, MutationAssessor, MutationTaster, PrimateAI, PolyPhen-2, REVEL and SIFT vs no benign predictions. ACMG criteria used for classification: PM2, PM1, PM6, PP2, PP3.